The following is an entry in ClinVar:

ClinVar aggregate classification (germline): Uncertain significance (1 of 4 stars; one submission).

Submission:

Dasa
Classification: Uncertain significance. Last evaluated: 2026-05-20. Review status: criteria provided, single submitter. Criteria: DASA Assertion Criteria. Collection method: clinical testing. Allele origin: germline.
Comment: NM_001386298.1(CIC):c.7016C>T (p.Ala2339Val) is a missense variant that results in the substitution of alanine with valine. This variant is rare in population databases. The currently available literature and clinical evidence are not sufficient to establish a definitive association between this variant and the reported condition. Therefore, this variant is classified as a variant of uncertain significance.

NM_001386298.1(CIC):c.7016C>T (p.Ala2339Val)

Gene: CIC (capicua transcriptional repressor; plus strand). Cytogenetic location: 19q13.2.
Variant type: single nucleotide variant.
Coding change: c.7016C>T on transcript NM_001386298.1 (MANE Select); coding-DNA position 7016, C replaced by T.
Protein change: p.Ala2339Val; replaces alanine 2339 with valine.
Molecular consequence: missense variant.
Genome position (GRCh38, 1-based): chr19:42,294,266, C>T. VCF-style: chr19-42294266-C-T. GRCh37 (hg19) VCF-style: chr19-42798418-C-T.
Other names: c.7016C>T, p.Ala2339Val (NM_001304815.2, NM_001439186.1); c.7013C>T, p.Ala2338Val (NM_001379480.1, NM_001379482.1, NM_001439183.1 and 1 more transcripts); c.4289C>T, p.Ala1430Val (NM_001379484.1, NM_015125.5); c.4286C>T, p.Ala1429Val (NM_001379485.1, NM_001439189.1, NM_001439190.1); c.7010C>T, p.Ala2337Val (NM_001439184.1, NM_001439185.1, NM_001439188.1); c.4283C>T, p.Ala1428Val (NM_001439191.1); short protein forms A1428V, A1429V, A1430V, A2337V, A2338V, A2339V.
Identifiers: ClinVar variation 5020523 (VCV005020523.1).